The following is an entry in ClinVar:

NM_022143.5(LRRC4):c.181_182del (p.Cys61fs)

Genes: LRRC4 (leucine rich repeat containing 4; minus strand), SND1 (staphylococcal nuclease and tudor domain containing 1; plus strand). Cytogenetic location: 7q32.1.
Variant type: Microsatellite.
Coding change: c.181_182del on transcript NM_022143.5 (MANE Select); coding-DNA positions 181 to 182, 2 bases deleted (TG; older notation c.181_182delTG).
Protein change: p.Cys61fs; shifts the reading frame from cysteine 61.
Molecular consequence: frameshift variant. On other transcripts: intron variant (1).
Genome position (GRCh38, 1-based): chr7:128,030,459-128,030,460, CA deleted on the plus strand (TG on the coding strand, the reverse complement: LRRC4 is on the minus strand); deleting any 2 consecutive bases within chr7:128,030,459-128,030,463 gives the same sequence; the c. name uses the placement nearest the transcript's 3' end. VCF-style (leftmost placement, unchanged base first): chr7-128030458-GCA-G. GRCh37 (hg19) VCF-style: chr7-127670511-GCA-G.
Other names: c.1779+39406_1779+39407del (NM_014390.4); short protein forms C61fs.
Identifiers: ClinVar variation 4883970 (VCV004883970.2).
Genomic context (GRCh38, chr7:128,030,458, plus strand): 5'-GTTGAGGTACCGGGTGTTCGAGGGAATACCCTGCGGGACCTCGGAGAGGCCCCGGCGCGT[GCA>G]CACCACCTTGCTGAACTGGTTACTGCACGAGCAGACGGAGGGGCAGTTCTGGGGCCCGGC-3'

ClinVar aggregate classification (germline): Uncertain significance (1 of 4 stars; one submission).

Submission:

Dasa
Classification: Uncertain significance. Last evaluated: 2025-07-22. Review status: criteria provided, single submitter. Criteria: DASA Assertion Criteria. Collection method: clinical testing. Allele origin: germline.
Comment: NM_022143.5(LRRC4):c.181_182del (p.Cys61Hisfs*54) is a frameshift variant in LRRC4 predicted to alter the reading frame and introduce a premature termination codon. This variant is absent from population databases. The currently available literature and clinical evidence are not sufficient to establish a definitive association between this variant and the reported condition. Therefore, this variant is classified as a variant of uncertain significance.